The following is an entry in ClinVar:

ClinVar aggregate classification (germline): Likely pathogenic (0 of 4 stars; one submission).

Conditions:
Upshaw-Schulman syndrome (TTP). Also called: Congenital thrombotic thrombocytopenic purpura; THROMBOTIC THROMBOCYTOPENIC PURPURA, HEREDITARY. Identifiers: Orphanet 93583, MedGen C1268935, MONDO:0010122, OMIM 274150.

Submission:

Department of Pediatrics, Third Xiangya Hospital of Central South University
Classification: Likely pathogenic for Upshaw-Schulman syndrome. Last evaluated: 2021-08-14. Review status: no assertion criteria provided. Collection method: research. Allele origin: paternal. Inheritance: Autosomal recessive inheritance. Affected: yes. Observed: 1 compound heterozygote.
Comment: The Phe445Leufs*52 variant in ADAMTS13 has never been reported before. Additionally, in silico algorithm shows that the pathogenicity of p. Phe445Leufs*52 is "PSV1', which means very strong evidence of pathogenicity.

NM_139027.6(ADAMTS13):c.1335_1336del (p.Met446fs)

Gene: ADAMTS13 (ADAM metallopeptidase with thrombospondin type 1 motif 13; plus strand). Cytogenetic location: 9q34.2.
Variant type: Deletion.
Coding change: c.1335_1336del on transcript NM_139027.6 (MANE Select); coding-DNA positions 1335 to 1336, 2 bases deleted (CA; older notation c.1335_1336delCA).
Protein change: p.Met446fs; shifts the reading frame from methionine 446.
Molecular consequence: frameshift variant.
Genome position (GRCh38, 1-based): chr9:133,436,855-133,436,856, CA deleted. VCF-style (leftmost placement, unchanged base first): chr9-133436854-TCA-T. GRCh37 (hg19) VCF-style: chr9-136301974-TCA-T.
Other names: c.1335_1336del, p.Met446fs (NM_139025.5); c.1242_1243del, p.Met415fs (NM_139026.6); short protein forms M415fs, M446fs.
Identifiers: ClinVar variation 1220527 (VCV001220527.2), dbSNP rs2130845614, ClinGen allele CA2499219751.